The following is an entry in ClinVar:

NM_000165.5(GJA1):c.197A>G (p.Tyr66Cys)

Gene: GJA1 (gap junction protein alpha 1; plus strand). Cytogenetic location: 6q22.31.
Variant type: single nucleotide variant.
Coding change: c.197A>G on transcript NM_000165.5 (MANE Select); coding-DNA position 197, A replaced by G.
Protein change: p.Tyr66Cys; replaces tyrosine 66 with cysteine.
Molecular consequence: missense variant.
Genome position (GRCh38, 1-based): chr6:121,447,044, A>G. VCF-style: chr6-121447044-A-G. GRCh37 (hg19) VCF-style: chr6-121768190-A-G.
Other names: short protein forms Y66C.
Identifiers: ClinVar variation 2753583 (VCV002753583.3), dbSNP rs904683660, ClinGen allele CA146810022.

ClinVar aggregate classification (germline): Uncertain significance (1 of 4 stars; one submission).

Conditions:
Oculodentodigital dysplasia, autosomal recessive. Also called: OCULODENTOOSSEOUS DYSPLASIA, AUTOSOMAL RECESSIVE; ODDD, AUTOSOMAL RECESSIVE; ODOD, AUTOSOMAL RECESSIVE. Identifiers: Orphanet 2710, MedGen C2749477, MONDO:0009768, OMIM 257850.

Allele frequency attached by ClinVar (database versions not stated): gnomAD exomes below 0.00001; TOPMed below 0.00001.
gnomAD v4.1: 1 of 1,613,572 alleles (0.000062%); highest among the groups gnomAD compares: South Asian, 0.0011%; no homozygotes.

Submission:

Labcorp Genetics (formerly Invitae), Labcorp
Classification: Uncertain significance for Oculodentodigital dysplasia, autosomal recessive. Last evaluated: 2023-10-17. Review status: criteria provided, single submitter. Criteria: Invitae Variant Classification Sherloc (09022015). Collection method: clinical testing. Allele origin: germline.
Comment: This sequence change replaces tyrosine, which is neutral and polar, with cysteine, which is neutral and slightly polar, at codon 66 of the GJA1 protein (p.Tyr66Cys). This variant is present in population databases (no rsID available, gnomAD 0.003%). This variant has not been reported in the literature in individuals affected with GJA1-related conditions. Advanced modeling of protein sequence and biophysical properties (such as structural, functional, and spatial information, amino acid conservation, physicochemical variation, residue mobility, and thermodynamic stability) performed at Invitae indicates that this missense variant is expected to disrupt GJA1 protein function. This variant disrupts the p.Tyr66 amino acid residue in GJA1. Other variant(s) that disrupt this residue have been determined to be pathogenic (Invitae). This suggests that this residue is clinically significant, and that variants that disrupt this residue are likely to be disease-causing. In summary, the available evidence is currently insufficient to determine the role of this variant in disease. Therefore, it has been classified as a Variant of Uncertain Significance.